The following is an entry in ClinVar:

ClinVar aggregate classification (germline): Pathogenic/Likely pathogenic. Review status: criteria provided, multiple submitters, no conflicts (2 of 4 stars). 2 submissions from 2 submitters: Pathogenic (1); Likely pathogenic (1). Last evaluated 2023-05-05.

Conditions:
Pituitary adenoma 5, multiple types. Identifiers: MedGen C4539685, MONDO:0054601, OMIM 617540.

Allele frequency attached by ClinVar (database versions not stated): gnomAD exomes below 0.00001.

Submissions (2):

Baylor Genetics
Classification: Likely pathogenic for Pituitary adenoma 5, multiple types. Last evaluated: 2023-05-05. Review status: criteria provided, single submitter. Criteria: ACMG Guidelines, 2015. Collection method: clinical testing. Allele origin: unknown.

Labcorp Genetics (formerly Invitae), Labcorp
Classification: Pathogenic. Last evaluated: 2022-08-21. Review status: criteria provided, single submitter. Criteria: Invitae Variant Classification Sherloc (09022015). Collection method: clinical testing. Allele origin: germline.
Comment: For these reasons, this variant has been classified as Pathogenic. This variant has not been reported in the literature in individuals affected with CDH23-related conditions. This variant is not present in population databases (gnomAD no frequency). This sequence change creates a premature translational stop signal (p.Leu2315Serfs*58) in the CDH23 gene. It is expected to result in an absent or disrupted protein product. Loss-of-function variants in CDH23 are known to be pathogenic (PMID: 11138009, 21940737).

Literature cited by the submitters: PubMed 11138009 (cited by Labcorp Genetics (formerly Invitae), Labcorp); PubMed 21940737 (cited by Labcorp Genetics (formerly Invitae), Labcorp).

NM_022124.6(CDH23):c.6942del (p.Leu2315fs)

Gene: CDH23 (cadherin related 23; plus strand). Cytogenetic location: 10q22.1.
Variant type: Deletion.
Coding change: c.6942del on transcript NM_022124.6 (MANE Select); coding-DNA position 6942, one base deleted (A; older notation c.6942delA).
Protein change: p.Leu2315fs; shifts the reading frame from leucine 2315.
Molecular consequence: frameshift variant.
Genome position (GRCh38, 1-based): chr10:71,798,466, A deleted. VCF-style (leftmost placement, unchanged base first): chr10-71798465-CA-C. GRCh37 (hg19) VCF-style: chr10-73558222-CA-C.
Other names: c.222del, p.Leu75fs (NM_001171933.1, NM_001171934.1); short protein forms L75fs, L2315fs.
Identifiers: ClinVar variation 2024315 (VCV002024315.5), dbSNP rs2494400341, ClinGen allele CA2580081845.
Genomic context (GRCh38, chr10:71,798,465, plus strand): 5'-AGCCCTTTGGGATCACCTACTACATGGAGCGGATCCTGGAGGGGGCCACCCCTGGGACCA[CA>C]CTCATTGCTGTGGCAGCCGTGGACCCTGACAAGGGCCTTAATGGGCTGGTCACCTACACC-3'